The following is an entry in ClinVar:

ClinVar aggregate classification (germline): Uncertain significance. Review status: criteria provided, multiple submitters, no conflicts (2 of 4 stars). 2 submissions from 2 submitters: Uncertain significance (2). Last evaluated 2023-06-23.

Conditions:
Cardiovascular phenotype. Identifiers: MedGen CN230736.

gnomAD v4.1: 5 of 1,540,770 alleles (0.00032%); highest among the groups gnomAD compares: Non-Finnish European, 0.00035%; no homozygotes.

Submissions (2):

Ambry Genetics
Classification: Uncertain significance for Cardiovascular phenotype. Last evaluated: 2023-06-23. Review status: criteria provided, single submitter. Criteria: Ambry Variant Classification Scheme 2023. Collection method: clinical testing. Allele origin: germline.
Comment: The p.A3085V variant (also known as c.9254C>T), located in coding exon 2 of the ZNF469 gene, results from a C to T substitution at nucleotide position 9254. The alanine at codon 3085 is replaced by valine, an amino acid with similar properties. This amino acid position is not well conserved in available vertebrate species. In addition, this alteration is predicted to be tolerated by in silico analysis. Since supporting evidence is limited at this time, the clinical significance of this alteration remains unclear.

Labcorp Genetics (formerly Invitae), Labcorp
Classification: Uncertain significance. Last evaluated: 2022-08-07. Review status: criteria provided, single submitter. Criteria: Invitae Variant Classification Sherloc (09022015). Collection method: clinical testing. Allele origin: germline.
Comment: This sequence change replaces alanine, which is neutral and non-polar, with valine, which is neutral and non-polar, at codon 3085 of the ZNF469 protein (p.Ala3085Val). The frequency data for this variant in the population databases is considered unreliable, as metrics indicate poor data quality at this position in the gnomAD database. This variant has not been reported in the literature in individuals affected with ZNF469-related conditions. Algorithms developed to predict the effect of missense changes on protein structure and function are either unavailable or do not agree on the potential impact of this missense change (SIFT: "Tolerated"; PolyPhen-2: "Probably Damaging"; Align-GVGD: "Class C0"). In summary, the available evidence is currently insufficient to determine the role of this variant in disease. Therefore, it has been classified as a Variant of Uncertain Significance.

NM_001367624.2(ZNF469):c.9338C>T (p.Ala3113Val)

Gene: ZNF469 (zinc finger protein 469; plus strand). Cytogenetic location: 16q24.2.
Variant type: single nucleotide variant.
Coding change: c.9338C>T on transcript NM_001367624.2 (MANE Select); coding-DNA position 9338, C replaced by T.
Protein change: p.Ala3113Val; replaces alanine 3113 with valine.
Molecular consequence: missense variant.
Genome position (GRCh38, 1-based): chr16:88,436,808, C>T. VCF-style: chr16-88436808-C-T. GRCh37 (hg19) VCF-style: chr16-88503216-C-T.
Other names: NM_001127464.1:c.9254C>T; short protein forms A3113V.
Identifiers: ClinVar variation 1766342 (VCV001766342.5), dbSNP rs1162224297, ClinGen allele CA397121898.